The following is an entry in ClinVar:

ClinVar aggregate classification (germline): Pathogenic (1 of 4 stars; one submission).

Submission:

Labcorp Genetics (formerly Invitae), Labcorp
Classification: Pathogenic. Last evaluated: 2024-08-06. Review status: criteria provided, single submitter. Criteria: Invitae Variant Classification Sherloc (09022015). Collection method: clinical testing. Allele origin: germline.
Comment: This sequence change creates a premature translational stop signal (p.Gln313*) in the PAX3 gene. It is expected to result in an absent or disrupted protein product. Loss-of-function variants in PAX3 are known to be pathogenic (PMID: 20127975, 23512835). This variant is not present in population databases (gnomAD no frequency). This premature translational stop signal has been observed in individual(s) with Waardenburg syndrome (PMID: 8533800). For these reasons, this variant has been classified as Pathogenic.

Literature cited by the submitters: PubMed 20127975; PubMed 23512835; PubMed 8533800.

NM_181458.4(PAX3):c.937C>T (p.Gln313Ter)

Gene: PAX3 (paired box 3; minus strand). Cytogenetic location: 2q36.1.
Variant type: single nucleotide variant.
Coding change: c.937C>T on transcript NM_181458.4 (MANE Select); coding-DNA position 937, C replaced by T.
Protein change: p.Gln313Ter; replaces glutamine 313 with a stop codon.
Molecular consequence: nonsense.
Genome position (GRCh38, 1-based): chr2:222,221,243, G>A on the plus strand (C>T on the coding strand, the complement: PAX3 is on the minus strand). VCF-style: chr2-222221243-G-A. GRCh37 (hg19) VCF-style: chr2-223085962-G-A.
Other names: c.937C>T, p.Gln313Ter (NM_181459.4, NM_181460.4, NM_181461.4 and 1 more transcripts); c.934C>T, p.Gln312Ter (NM_001127366.3); short protein forms Q312*, Q313*.
Identifiers: ClinVar variation 3720417 (VCV003720417.2).